The following is an entry in ClinVar:

NM_006929.5(SKIC2):c.77G>A (p.Cys26Tyr)

Gene: SKIC2 (SKI2 subunit of superkiller complex; plus strand). Cytogenetic location: 6p21.33.
Variant type: single nucleotide variant.
Coding change: c.77G>A on transcript NM_006929.5 (MANE Select); coding-DNA position 77, G replaced by A.
Protein change: p.Cys26Tyr; replaces cysteine 26 with tyrosine.
Molecular consequence: missense variant.
Genome position (GRCh38, 1-based): chr6:31,959,351, G>A. VCF-style: chr6-31959351-G-A. GRCh37 (hg19) VCF-style: chr6-31927128-G-A.
Other names: short protein forms C26Y.
Identifiers: ClinVar variation 1907816 (VCV001907816.5), dbSNP rs1012647427, ClinGen allele CA136905224.
Genomic context (GRCh38, chr6:31,959,351, plus strand): 5'-CCGTAGTGCTACCCCCTCCAGATCCCCTGGACCTACCCCTTCGGGCCGTGGAGCTCGGAT[G>A]CACGGGGCACTGGGAGCTGCTGAACTTGCCTGGAGCTCCAGAGAGTAGCGTGAGTGACTT-3'
Protein context (NP_008860.4, residues 16-36): DLPLRAVELG[Cys26Tyr]TGHWELLNLP

ClinVar aggregate classification (germline): Uncertain significance (1 of 4 stars; one submission).

Submission:

Labcorp Genetics (formerly Invitae), Labcorp
Classification: Uncertain significance. Last evaluated: 2022-07-15. Review status: criteria provided, single submitter. Criteria: Invitae Variant Classification Sherloc (09022015). Collection method: clinical testing. Allele origin: germline.
Comment: This variant has not been reported in the literature in individuals affected with SKIV2L-related conditions. In summary, the available evidence is currently insufficient to determine the role of this variant in disease. Therefore, it has been classified as a Variant of Uncertain Significance. Algorithms developed to predict the effect of missense changes on protein structure and function are either unavailable or do not agree on the potential impact of this missense change (SIFT: "Tolerated"; PolyPhen-2: "Probably Damaging"; Align-GVGD: "Class C0"). This variant is not present in population databases (gnomAD no frequency). This sequence change replaces cysteine, which is neutral and slightly polar, with tyrosine, which is neutral and polar, at codon 26 of the SKIV2L protein (p.Cys26Tyr).